The following is an entry in ClinVar:

NM_001142800.2(EYS):c.3249C>A (p.Cys1083Ter)

Gene: EYS (EGF-like photoreceptor maintenance factor; minus strand). Cytogenetic location: 6q12.
Variant type: single nucleotide variant.
Coding change: c.3249C>A on transcript NM_001142800.2 (MANE Select); coding-DNA position 3249, C replaced by A.
Protein change: p.Cys1083Ter; replaces cysteine 1083 with a stop codon.
Molecular consequence: nonsense.
Genome position (GRCh38, 1-based): chr6:64,813,572, G>T on the plus strand (C>A on the coding strand, the complement: EYS is on the minus strand). VCF-style: chr6-64813572-G-T. GRCh37 (hg19) VCF-style: chr6-65523465-G-T.
Other names: c.3249C>A, p.Cys1083Ter (NM_001292009.2); short protein forms C1083*.
Identifiers: ClinVar variation 4814629 (VCV004814629.1).
Genomic context (GRCh38, chr6:64,813,572, plus strand): 5'-GCAAGTAAATCCATGTGCTGACTTCTGACAGAAGCCTTCATTCATACAAGGGATTGATGT[G>T]CAGTCCTAGATTAAGAAATAGAGAATCAAATTTGATTATTAGTATAAGGTTGACCATTTT-3'

ClinVar aggregate classification (germline): Likely pathogenic (1 of 4 stars; one submission).

Conditions:
Retinitis pigmentosa 25 (RP25). Identifiers: Orphanet 791, MedGen C1864446, MONDO:0011272, OMIM 602772.

Submission:

Natera, Inc.
Classification: Likely pathogenic for Retinitis pigmentosa type 25. Last evaluated: 2025-09-19. Review status: criteria provided, single submitter. Criteria: Natera Variant Classification Schema (03/2026). Collection method: clinical testing. Allele origin: germline.
Comment: The c.3249C>A variant in EYS is a nonsense variant predicted to introduce a stop codon at amino acid 1083. This variant is expected to result in nonsense mediated decay, truncation, or a dysfunctional protein product. This variant is rare in the general population with a frequency below the threshold expected for the associated phenotype(s). Given the available evidence, this variant is classified as Likely Pathogenic.